The following is an entry in ClinVar:

NM_000113.3(TOR1A):c.304G>C (p.Gly102Arg)

Gene: TOR1A (torsin family 1 member A; minus strand). Cytogenetic location: 9q34.11.
Variant type: single nucleotide variant.
Coding change: c.304G>C on transcript NM_000113.3 (MANE Select); coding-DNA position 304, G replaced by C.
Protein change: p.Gly102Arg; replaces glycine 102 with arginine.
Molecular consequence: missense variant.
Genome position (GRCh38, 1-based): chr9:129,822,721, C>G on the plus strand (G>C on the coding strand, the complement: TOR1A is on the minus strand). VCF-style: chr9-129822721-C-G. GRCh37 (hg19) VCF-style: chr9-132585000-C-G.
Other names: short protein forms G102R.
Identifiers: ClinVar variation 1712767 (VCV001712767.2), dbSNP rs772242731, ClinGen allele CA375177065.

ClinVar aggregate classification (germline): Uncertain significance (1 of 4 stars; one submission).

Submission:

GeneDx
Classification: Uncertain significance. Last evaluated: 2022-04-25. Review status: criteria provided, single submitter. Criteria: GeneDx Variant Classification Process June 2021. Collection method: clinical testing. Allele origin: germline. Affected: yes.
Comment: Not observed at significant frequency in large population cohorts (gnomAD); In silico analysis supports that this missense variant has a deleterious effect on protein structure/function; Has not been previously published as pathogenic or benign to our knowledge